The following is an entry in ClinVar:

ClinVar aggregate classification (germline): Uncertain significance. Review status: criteria provided, multiple submitters, no conflicts (2 of 4 stars). 2 submissions from 2 submitters: Uncertain significance (2). Last evaluated 2025-02-22.

Conditions:
AKR1C4-related disorder. Also called: AKR1C4-related condition.

Allele frequency attached by ClinVar (database versions not stated): ExAC 0.00002; gnomAD 0.00005; gnomAD exomes 0.00007; TOPMed 0.00009.
gnomAD v4.1: 109 of 1,614,068 alleles (0.0068%); highest among the groups gnomAD compares: Admixed American, 0.013%; no homozygotes.

Submissions (2):

Ambry Genetics
Classification: Uncertain significance. Last evaluated: 2025-02-22. Review status: criteria provided, single submitter. Criteria: Ambry Variant Classification Scheme 2023. Collection method: clinical testing. Allele origin: germline.

PreventionGenetics, part of Exact Sciences
Classification: Uncertain significance for AKR1C4-related condition. Last evaluated: 2023-08-29. Review status: criteria provided, single submitter. Criteria: ACMG Guidelines, 2015. Collection method: clinical testing. Allele origin: germline.
Comment: The AKR1C4 c.172G>A variant is predicted to result in the amino acid substitution p.Glu58Lys. To our knowledge, this variant has not been reported in the literature. This variant is reported in 0.0035% of alleles in individuals of European (Non-Finnish) descent in gnomAD. At this time, the clinical significance of this variant is uncertain due to the absence of conclusive functional and genetic evidence.

NM_001818.5(AKR1C4):c.172G>A (p.Glu58Lys)

Gene: AKR1C4 (aldo-keto reductase family 1 member C4; plus strand). Cytogenetic location: 10p15.1.
Variant type: single nucleotide variant.
Coding change: c.172G>A on transcript NM_001818.5 (MANE Select); coding-DNA position 172, G replaced by A.
Protein change: p.Glu58Lys; replaces glutamic acid 58 with lysine.
Molecular consequence: missense variant.
Genome position (GRCh38, 1-based): chr10:5,200,268, G>A. VCF-style: chr10-5200268-G-A. GRCh37 (hg19) VCF-style: chr10-5242231-G-A.
Other names: short protein forms E58K.
Identifiers: ClinVar variation 2636044 (VCV002636044.2), dbSNP rs782431356, ClinGen allele CA5391300.